The following is an entry in ClinVar:

ClinVar aggregate classification (germline): Benign/Likely benign. Review status: criteria provided, multiple submitters, no conflicts (2 of 4 stars). 6 submissions from 6 submitters: Benign (2); Likely benign (3). 1 of the submissions does not count toward it. Last evaluated 2026-01-12.

Conditions:
B4GALNT1-related disorder. Also called: B4GALNT1-related condition.
Spastic paraplegia. Identifiers: MedGen C0037772, HP:0001258.

Allele frequency attached by ClinVar (database versions not stated): ExAC 0.00177; gnomAD exomes 0.00182 and 0.00166; 1000 Genomes Project 0.00240; 1000 Genomes Project 30x 0.00250; TOPMed 0.00131; gnomAD 0.00138 and 0.00145; ESP Exome Variant Server 0.00108.
gnomAD v4.1: 2,776 of 1,614,216 alleles (0.17%); highest among the groups gnomAD compares: South Asian, 0.35%; 12 homozygotes.

Submissions (6):

Labcorp Genetics (formerly Invitae), Labcorp
Classification: Benign for Spastic paraplegia. Last evaluated: 2026-01-12. Review status: criteria provided, single submitter. Criteria: Invitae Variant Classification Sherloc (09022015). Collection method: clinical testing. Allele origin: germline.

Mayo Clinic Laboratories, Mayo Clinic
Classification: Benign. Last evaluated: 2025-08-22. Review status: criteria provided, single submitter. Criteria: ACMG Guidelines, 2015. Collection method: clinical testing. Allele origin: germline. Observed: 4 variant alleles.
Comment: BS1, BS2, BP4_strong

CeGaT Center for Human Genetics Tuebingen
Classification: Likely benign. Last evaluated: 2025-01-01. Review status: criteria provided, single submitter. Criteria: CeGaT Center For Human Genetics Tuebingen Variant Classification Criteria Version 2. Collection method: clinical testing. Allele origin: germline. Affected: yes. Observed: 3 variant alleles.
Comment: B4GALNT1: BP4

Blueprint Genetics
Classification: Likely benign. Last evaluated: 2024-11-21. Review status: criteria provided, single submitter. Criteria: ACMG Guidelines, 2015. Collection method: clinical testing. Allele origin: germline.

GeneDx
Classification: Likely benign. Last evaluated: 2020-10-15. Review status: criteria provided, single submitter. Criteria: GeneDx Variant Classification Process June 2021. Collection method: clinical testing. Allele origin: germline. Affected: yes.

PreventionGenetics, part of Exact Sciences
Classification: Likely benign for B4GALNT1-related condition. Last evaluated: 2022-02-07. Review status: no assertion criteria provided. Collection method: clinical testing. Allele origin: germline. Not counted in ClinVar's aggregate classification.
Comment: This variant is classified as likely benign based on ACMG/AMP sequence variant interpretation guidelines (Richards et al. 2015 PMID: 25741868, with internal and published modifications).

NM_001478.5(B4GALNT1):c.880G>A (p.Ala294Thr)

Gene: B4GALNT1 (beta-1,4-N-acetyl-galactosaminyltransferase 1; minus strand). Cytogenetic location: 12q13.3.
Variant type: single nucleotide variant.
Coding change: c.880G>A on transcript NM_001478.5 (MANE Select); coding-DNA position 880, G replaced by A.
Protein change: p.Ala294Thr; replaces alanine 294 with threonine.
Molecular consequence: missense variant.
Genome position (GRCh38, 1-based): chr12:57,628,835, C>T on the plus strand (G>A on the coding strand, the complement: B4GALNT1 is on the minus strand). VCF-style: chr12-57628835-C-T. GRCh37 (hg19) VCF-style: chr12-58022618-C-T.
Other names: p.Ala294Thr; c.715G>A, p.Ala239Thr (NM_001276468.2); short protein forms A294T, A239T.
Identifiers: ClinVar variation 239027 (VCV000239027.41), dbSNP rs147301375, ClinGen allele CA6655607.
Genomic context (GRCh38, chr12:57,628,835, plus strand): 5'-TGTCGTCAGCGATGACCACGGTAACCGTTGGGTAGAAGCGGCGGATACTGGTGATGAGAG[C>T]CCGTAGCCGATCATAACGGAGGAAGGTCTTGGTGGCAATCGTGACTAGAGCGCTGATGTT-3'
Protein context (NP_001469.1, residues 284-304): KTFLRYDRLR[Ala294Thr]LITSIRRFYP